The following is an entry in ClinVar:

ClinVar aggregate classification (germline): Uncertain significance (1 of 4 stars; one submission).

Submission:

Labcorp Genetics (formerly Invitae), Labcorp
Classification: Uncertain significance. Last evaluated: 2022-03-14. Review status: criteria provided, single submitter. Criteria: Invitae Variant Classification Sherloc (09022015). Collection method: clinical testing. Allele origin: germline.
Comment: This variant has not been reported in the literature in individuals affected with RFWD3-related conditions. In summary, the available evidence is currently insufficient to determine the role of this variant in disease. Therefore, it has been classified as a Variant of Uncertain Significance. Algorithms developed to predict the effect of missense changes on protein structure and function (SIFT, PolyPhen-2, Align-GVGD) all suggest that this variant is likely to be disruptive. This variant is not present in population databases (gnomAD no frequency). This sequence change replaces phenylalanine, which is neutral and non-polar, with serine, which is neutral and polar, at codon 752 of the RFWD3 protein (p.Phe752Ser).

NM_018124.4(RFWD3):c.2255T>C (p.Phe752Ser)

Gene: RFWD3 (ring finger and WD repeat domain 3; minus strand). Cytogenetic location: 16q23.1.
Variant type: single nucleotide variant.
Coding change: c.2255T>C on transcript NM_018124.4 (MANE Select); coding-DNA position 2255, T replaced by C.
Protein change: p.Phe752Ser; replaces phenylalanine 752 with serine.
Molecular consequence: missense variant.
Genome position (GRCh38, 1-based): chr16:74,623,998, A>G on the plus strand (T>C on the coding strand, the complement: RFWD3 is on the minus strand). VCF-style: chr16-74623998-A-G. GRCh37 (hg19) VCF-style: chr16-74657896-A-G.
Other names: c.2255T>C, p.Phe752Ser (NM_001370534.1, NM_001370535.1); c.2078T>C, p.Phe693Ser (NM_001370536.1); c.1421T>C, p.Phe474Ser (NM_001370537.1, NM_001370539.1, NM_001370540.1 and 3 more transcripts); short protein forms F474S, F752S, F693S.
Identifiers: ClinVar variation 1959076 (VCV001959076.5), dbSNP rs2543906903, ClinGen allele CA396758989.
Genomic context (GRCh38, chr16:74,623,998, plus strand): 5'-TTATAGATGTGGACCATCTTCTCTGTTAAGGTAGCCAAGTAGCTGTTACGGTTCACCTCA[A>G]ATGGGCAGATGTCCAACACAGGCTGATCGGTCTGTAGGTCCTGGAGCAACGAGCCACTGG-3'
Protein context (NP_060594.3, residues 742-762): TDQPVLDICP[Phe752Ser]EVNRNSYLAT